The following is an entry in ClinVar:

NM_001377.3(DYNC2H1):c.2183G>A (p.Gly728Asp)

Gene: DYNC2H1 (dynein cytoplasmic 2 heavy chain 1; plus strand). Cytogenetic location: 11q22.3.
Variant type: single nucleotide variant.
Coding change: c.2183G>A on transcript NM_001377.3 (MANE Select); coding-DNA position 2183, G replaced by A.
Protein change: p.Gly728Asp; replaces glycine 728 with aspartic acid.
Molecular consequence: missense variant.
Genome position (GRCh38, 1-based): chr11:103,134,397, G>A. VCF-style: chr11-103134397-G-A. GRCh37 (hg19) VCF-style: chr11-103005126-G-A.
Other names: c.2183G>A, p.Gly728Asp (NM_001080463.2); short protein forms G728D.
Identifiers: ClinVar variation 2429681 (VCV002429681.1), dbSNP rs2496909685, ClinGen allele CA382258768.
Genomic context (GRCh38, chr11:103,134,397, plus strand): 5'-ATATTGATCTGCTTCGGCAGCAACAGCGCTGGAAAGATGGATTACAAGAATTGAGAACTG[G>A]CTTAGCAACTGTAGAAGCACAGGTAGAGTATGTTTTATTTTGTGTGTATACTTTGAAATA-3'
Protein context (NP_001368.2, residues 718-738): WKDGLQELRT[Gly728Asp]LATVEAQGFQ

ClinVar aggregate classification (germline): Uncertain significance (1 of 4 stars; one submission).

Submission:

GeneDx
Classification: Uncertain significance. Last evaluated: 2022-08-08. Review status: criteria provided, single submitter. Criteria: GeneDx Variant Classification Process June 2021. Collection method: clinical testing. Allele origin: germline. Affected: yes.
Comment: Not observed at significant frequency in large population cohorts (gnomAD); In silico analysis supports that this missense variant does not alter protein structure/function; Has not been previously published as pathogenic or benign to our knowledge